The following is an entry in ClinVar:

NM_001330723.2(SNX27):c.464A>G (p.Tyr155Cys)

Gene: SNX27 (sorting nexin 27; plus strand). Cytogenetic location: 1q21.3.
Variant type: single nucleotide variant.
Coding change: c.464A>G on transcript NM_001330723.2 (MANE Select); coding-DNA position 464, A replaced by G.
Protein change: p.Tyr155Cys; replaces tyrosine 155 with cysteine.
Molecular consequence: missense variant.
Genome position (GRCh38, 1-based): chr1:151,639,040, A>G. VCF-style: chr1-151639040-A-G. GRCh37 (hg19) VCF-style: chr1-151611516-A-G.
Other names: c.464A>G, p.Tyr155Cys (NM_030918.6); short protein forms Y155C.
Identifiers: ClinVar variation 2632546 (VCV002632546.1), dbSNP rs2524885711, ClinGen allele CA341982401.

ClinVar aggregate classification (germline): Uncertain significance (1 of 4 stars; one submission).

Conditions:
SNX27-related disorder. Also called: SNX27-related condition.

Submission:

PreventionGenetics, part of Exact Sciences
Classification: Uncertain significance for SNX27-related condition. Last evaluated: 2023-07-05. Review status: criteria provided, single submitter. Criteria: ACMG Guidelines, 2015. Collection method: clinical testing. Allele origin: germline.
Comment: The SNX27 c.464A>G variant is predicted to result in the amino acid substitution p.Tyr155Cys. To our knowledge, this variant has not been reported in the literature or in a large population database, indicating this variant is rare. At this time, the clinical significance of this variant is uncertain due to the absence of conclusive functional and genetic evidence.